The following is an entry in ClinVar:

NM_198253.3(TERT):c.2286+5G>C

Gene: TERT (telomerase reverse transcriptase; minus strand). Cytogenetic location: 5p15.33.
Variant type: single nucleotide variant.
Coding change: c.2286+5G>C on transcript NM_198253.3 (MANE Select); 5 bases into the intron after coding-DNA position 2286, G replaced by C.
Molecular consequence: intron variant.
Genome position (GRCh38, 1-based): chr5:1,278,636, C>G on the plus strand (G>C on the coding strand, the complement: TERT is on the minus strand). VCF-style: chr5-1278636-C-G. GRCh37 (hg19) VCF-style: chr5-1278751-C-G.
Other names: c.2286+5G>C (NM_001193376.3).
Identifiers: ClinVar variation 410663 (VCV000410663.7), dbSNP rs1060502997, ClinGen allele CA16611882.

ClinVar aggregate classification (germline): Uncertain significance (1 of 4 stars; one submission).

Conditions:
Dyskeratosis congenita, autosomal dominant 2. Identifiers: MedGen C3151443, MONDO:0013521, OMIM 613989.
Idiopathic Pulmonary Fibrosis. Also called: Idiopathic fibrosing alveolitis, chronic form; idiopathic fibrosing alveolitis. Identifiers: Orphanet 2032, MedGen C1800706, MeSH D054990, MONDO:0800504.

Submission:

Labcorp Genetics (formerly Invitae), Labcorp
Classification: Uncertain significance for Dyskeratosis congenita, autosomal dominant 2; Idiopathic Pulmonary Fibrosis. Last evaluated: 2021-08-27. Review status: criteria provided, single submitter. Criteria: Invitae Variant Classification Sherloc (09022015). Collection method: clinical testing. Allele origin: germline.
Comment: Nucleotide substitutions within the consensus splice site are relatively common causes of aberrant splicing (PMID: 17576681, 9536098). Algorithms developed to predict the effect of nucleotide changes on RNA splicing suggest that this variant may alter RNA splicing, but this prediction has not been confirmed by published transcriptional studies. This variant is not present in population databases (ExAC no frequency) and has not been reported in the literature in individuals with a TERT-related disease. This sequence change falls in intron 6 of the TERT gene. It does not directly change the encoded amino acid sequence of the TERT protein, but it affects a nucleotide within the consensus splice site of the intron. In summary, this is a novel intronic change with uncertain impact on splicing. It has been classified as a Variant of Uncertain Significance.

Literature cited by the submitters: PubMed 17576681; PubMed 9536098.